The following is an entry in ClinVar:

GRCh38/hg38 18q22.1-22.2(chr18:69030251-69682957)x1

Genes: CCDC102B (coiled-coil domain containing 102B; plus strand), DOK6 (docking protein 6; plus strand), LOC105372179 (uncharacterized LOC105372179; plus strand), LOC132090506 (Neanderthal introgressed variant-containing enhancer experimental_49334; plus strand), LOC132090507 (Neanderthal introgressed variant-containing enhancer experimental_49336; plus strand). Cytogenetic location: 18q22.1-22.2.
Variant type: copy number loss.
Change: copy number 1 (one copy instead of two) of chr18:69,030,251-69,682,957 (652.7 kb, GRCh38 coordinates, 1-based), cytogenetic band 18q22.1-22.2.
Identifiers: ClinVar variation 60032 (VCV000060032.1).

ClinVar aggregate classification (germline): Pathogenic (1 of 4 stars; one submission).

Submission:

ISCA site 17
Classification: Pathogenic. Last evaluated: 2011-08-12. Review status: criteria provided, single submitter. Criteria: Kaminsky et al. (Genet Med. 2011). Collection method: clinical testing. Allele origin: unknown. Affected: yes. Observed: 1 variant allele.
Comment: Copy number variation identified through the course of routine clinical cytogenomic testing in postnatal populations. Clinical assertions have been curated as described in Kaminsky et al. 2011.